The following is an entry in ClinVar:

ClinVar aggregate classification (germline): Likely benign. Review status: criteria provided, multiple submitters, no conflicts (2 of 4 stars). 3 submissions from 3 submitters: Likely benign (2). 1 of the submissions does not count toward it. Last evaluated 2024-10-19.

Conditions:
Bardet-Biedl syndrome 12 (BBS12). Identifiers: Orphanet 110, MedGen C1859570, MONDO:0014440, OMIM 615989.
BBS12-related disorder. Also called: BBS12-related condition.
Bardet-Biedl syndrome (BBS). Identifiers: Orphanet 110, MedGen C0752166, MONDO:0015229.

Submissions (3):

PreventionGenetics, part of Exact Sciences
Classification: Likely benign for BBS12-related condition. Last evaluated: 2024-10-19. Review status: criteria provided, single submitter. Criteria: ACMG Guidelines, 2015. Collection method: clinical testing. Allele origin: germline.
Comment: This variant is classified as likely benign based on ACMG/AMP sequence variant interpretation guidelines (Richards et al. 2015 PMID: 25741868, with internal and published modifications).

Labcorp Genetics (formerly Invitae), Labcorp
Classification: Likely benign for Bardet-Biedl syndrome. Last evaluated: 2022-07-03. Review status: criteria provided, single submitter. Criteria: Invitae Variant Classification Sherloc (09022015). Collection method: clinical testing. Allele origin: germline.

Natera, Inc.
Classification: Likely benign for Bardet-Biedl syndrome type 12. Last evaluated: 2025-02-22. Review status: no assertion criteria provided. Collection method: clinical testing. Allele origin: germline. Not counted in ClinVar's aggregate classification.

NM_152618.3(BBS12):c.517T>C (p.Leu173=)

Gene: BBS12 (Bardet-Biedl syndrome 12; plus strand). Cytogenetic location: 4q27.
Variant type: single nucleotide variant.
Coding change: c.517T>C on transcript NM_152618.3 (MANE Select); coding-DNA position 517, T replaced by C.
Protein change: p.Leu173=; no amino-acid change (leucine 173 retained).
Molecular consequence: synonymous variant.
Genome position (GRCh38, 1-based): chr4:122,742,409, T>C. VCF-style: chr4-122742409-T-C. GRCh37 (hg19) VCF-style: chr4-123663564-T-C.
Other names: c.517T>C (NM_152618.2); c.517T>C, p.Leu173= (NM_001178007.2).
Identifiers: ClinVar variation 1094925 (VCV001094925.9), dbSNP rs2150736262, ClinGen allele CA441120245.